The following is an entry in ClinVar:

NM_000245.4(MET):c.1470G>C (p.Val490=)

Gene: MET (MET proto-oncogene, receptor tyrosine kinase; plus strand). Cytogenetic location: 7q31.2.
Variant type: single nucleotide variant.
Coding change: c.1470G>C on transcript NM_000245.4 (MANE Select); coding-DNA position 1470, G replaced by C.
Protein change: p.Val490=; no amino-acid change (valine 490 retained).
Molecular consequence: synonymous variant.
Genome position (GRCh38, 1-based): chr7:116,740,027, G>C. VCF-style: chr7-116740027-G-C. GRCh37 (hg19) VCF-style: chr7-116380081-G-C.
Other names: c.1470G>C, p.Val490= (NM_001127500.3, NM_001324401.3); c.180G>C, p.Val60= (NM_001324402.2).
Identifiers: ClinVar variation 1094162 (VCV001094162.12), dbSNP rs1281860482, ClinGen allele CA457215366.

ClinVar aggregate classification (germline): Benign/Likely benign. Review status: criteria provided, multiple submitters, no conflicts (2 of 4 stars). 3 submissions from 3 submitters: Benign (1); Likely benign (2). Last evaluated 2025-11-11.

Conditions:
Hereditary cancer-predisposing syndrome. Also called: Hereditary Cancer Syndrome; Neoplastic Syndromes, Hereditary; Hereditary neoplastic syndrome; Tumor predisposition. Identifiers: Orphanet 140162, MedGen C0027672, MeSH D009386, MONDO:0015356.
Renal cell carcinoma. Identifiers: Orphanet 217071, MedGen C0007134, MeSH D002292, MONDO:0005086, HP:0005584.
Papillary renal cell carcinoma type 1 (RCCP1). Also called: RENAL CELL CARCINOMA, PAPILLARY, 1, SOMATIC; Renal adenocarcinoma; Renal cell carcinoma 1; Renal cell carcinoma, somatic. Identifiers: Orphanet 47044, MedGen C1336839, OMIM 605074, HP:0011797.

Allele frequency attached by ClinVar (database versions not stated): gnomAD exomes below 0.00001.
gnomAD v4.1: 12 of 1,614,064 alleles (0.00074%); highest among the groups gnomAD compares: East Asian, 0.0022%; no homozygotes.

Submissions (3):

Labcorp Genetics (formerly Invitae), Labcorp
Classification: Likely benign for Renal cell carcinoma. Last evaluated: 2025-11-11. Review status: criteria provided, single submitter. Criteria: Invitae Variant Classification Sherloc (09022015). Collection method: clinical testing. Allele origin: germline.

Myriad Genetics, Inc.
Classification: Benign for Papillary renal cell carcinoma type 1. Last evaluated: 2024-11-07. Review status: criteria provided, single submitter. Criteria: Myriad Autosomal Dominant, Autosomal Recessive and X-Linked Classification Criteria (2023). Collection method: clinical testing. Allele origin: unknown.
Comment: This variant is considered benign. This variant is a silent/synonymous amino acid change and it is not expected to impact splicing.

Ambry Genetics
Classification: Likely benign for Hereditary cancer-predisposing syndrome. Last evaluated: 2019-12-31. Review status: criteria provided, single submitter. Criteria: Ambry Variant Classification Scheme 2023. Collection method: clinical testing. Allele origin: germline.